The following is an entry in ClinVar:

NM_024312.5(GNPTAB):c.203+2T>C

Gene: GNPTAB (N-acetylglucosamine-1-phosphate transferase subunits alpha and beta; minus strand). Cytogenetic location: 12q23.2.
Variant type: single nucleotide variant.
Coding change: c.203+2T>C on transcript NM_024312.5 (MANE Select); the canonical splice donor site of the intron after coding-DNA position 203, T replaced by C.
Molecular consequence: splice donor variant.
Genome position (GRCh38, 1-based): chr12:101,796,675, A>G on the plus strand (T>C on the coding strand, the complement: GNPTAB is on the minus strand). VCF-style: chr12-101796675-A-G. GRCh37 (hg19) VCF-style: chr12-102190453-A-G.
Identifiers: ClinVar variation 642935 (VCV000642935.8), dbSNP rs1594242785, ClinGen allele CA386305633.

ClinVar aggregate classification (germline): Likely pathogenic. Review status: criteria provided, single submitter (1 of 4 stars). 2 submissions from 2 submitters: Likely pathogenic (1). 1 of the submissions does not count toward it. Last evaluated 2018-10-07.

Conditions:
Mucolipidosis type II. Also called: Mucolipidosis II Alpha/Beta; ML II ALPHA/BETA; Mucolipidosis 2; ML 2; Inclusion cell disease; Leroy Disease. Identifiers: Orphanet 576, MedGen C2673377, MONDO:0009650, OMIM 252500.
Pseudo-Hurler polydystrophy. Also called: MUCOLIPIDOSIS IIIA; ML III; ML III ALPHA/BETA; Type III Mucolipidosis; ML IIIA; Mucolipidosis III Alpha/Beta. Identifiers: Orphanet 423461, Orphanet 577, MedGen C0033788, MONDO:0018931, OMIM 252600.

Allele frequency attached by ClinVar (database versions not stated): TOPMed below 0.00001.

Submissions (2):

Labcorp Genetics (formerly Invitae), Labcorp
Classification: Likely pathogenic for Pseudo-Hurler polydystrophy; Mucolipidosis type II. Last evaluated: 2018-10-07. Review status: criteria provided, single submitter. Criteria: Invitae Variant Classification Sherloc (09022015). Collection method: clinical testing. Allele origin: germline.
Comment: This sequence change affects a donor splice site in intron 2 of the GNPTAB gene. It is expected to disrupt RNA splicing and likely results in an absent or disrupted protein product. This variant is not present in population databases (ExAC no frequency). This variant has not been reported in the literature in individuals with GNPTAB-related disease. Algorithms developed to predict the effect of sequence changes on RNA splicing suggest that this variant may disrupt the consensus splice site, but this prediction has not been confirmed by published transcriptional studies. Donor and acceptor splice site variants typically lead to a loss of protein function (PMID: 16199547), and loss-of-function variants in GNPTAB are known to be pathogenic (PMID: 19617216, 25107912). In summary, the currently available evidence indicates that the variant is pathogenic, but additional data are needed to prove that conclusively. Therefore, this variant has been classified as Likely Pathogenic.

Natera, Inc.
Classification: Likely pathogenic for Mucolipidosis type II. Last evaluated: 2020-09-16. Review status: no assertion criteria provided. Collection method: clinical testing. Allele origin: germline. Not counted in ClinVar's aggregate classification.

Literature cited by the submitters: PubMed 16199547 (cited by Labcorp Genetics (formerly Invitae), Labcorp); PubMed 19617216 (cited by Labcorp Genetics (formerly Invitae), Labcorp); PubMed 25107912 (cited by Labcorp Genetics (formerly Invitae), Labcorp).